The following is an entry in ClinVar:

ClinVar aggregate classification (germline): Uncertain significance (1 of 4 stars; one submission).

Conditions:
Diffuse cerebral and cerebellar atrophy - intractable seizures - progressive microcephaly syndrome. Also called: Microcephaly, progressive, with seizures and cerebral and cerebellar atrophy. Identifiers: Orphanet 404437, MedGen C4014239, MONDO:0014335, OMIM 615760.

Allele frequency attached by ClinVar (database versions not stated): TOPMed 0.00002; ExAC 0.00003; gnomAD 0.00003 and 0.00004; gnomAD exomes 0.00003.
gnomAD v4.1: 21 of 1,612,634 alleles (0.0013%); highest among the groups gnomAD compares: African/African-American, 0.0093%; no homozygotes.

Submission:

Labcorp Genetics (formerly Invitae), Labcorp
Classification: Uncertain significance for Diffuse cerebral and cerebellar atrophy - intractable seizures - progressive microcephaly syndrome. Last evaluated: 2025-07-07. Review status: criteria provided, single submitter. Criteria: Invitae Variant Classification Sherloc (09022015). Collection method: clinical testing. Allele origin: germline.
Comment: This sequence change replaces alanine, which is neutral and non-polar, with valine, which is neutral and non-polar, at codon 3 of the QARS protein (p.Ala3Val). This variant is present in population databases (rs748155291, gnomAD 0.009%). This variant has not been reported in the literature in individuals affected with QARS-related conditions. ClinVar contains an entry for this variant (Variation ID: 851800). Invitae Evidence Modeling of protein sequence and biophysical properties (such as structural, functional, and spatial information, amino acid conservation, physicochemical variation, residue mobility, and thermodynamic stability) has been performed for this missense variant. However, the output from this modeling did not meet the statistical confidence thresholds required to predict the impact of this variant on QARS protein function. In summary, the available evidence is currently insufficient to determine the role of this variant in disease. Therefore, it has been classified as a Variant of Uncertain Significance.

NM_005051.3(QARS1):c.8C>T (p.Ala3Val)

Gene: QARS1 (glutaminyl-tRNA synthetase 1; minus strand). Cytogenetic location: 3p21.31.
Variant type: single nucleotide variant.
Coding change: c.8C>T on transcript NM_005051.3 (MANE Select); coding-DNA position 8, C replaced by T.
Protein change: p.Ala3Val; replaces alanine 3 with valine.
Molecular consequence: missense variant. On other transcripts: non-coding transcript variant (1).
Genome position (GRCh38, 1-based): chr3:49,104,726, G>A on the plus strand (C>T on the coding strand, the complement: QARS1 is on the minus strand). VCF-style: chr3-49104726-G-A. GRCh37 (hg19) VCF-style: chr3-49142159-G-A.
Other names: c.8C>T, p.Ala3Val (NM_001272073.2); short protein forms A3V.
Identifiers: ClinVar variation 851800 (VCV000851800.5), dbSNP rs748155291, ClinGen allele CA2392346.